The following is an entry in ClinVar:

ClinVar aggregate classification (germline): Benign (1 of 4 stars; one submission).

Allele frequency attached by ClinVar (database versions not stated): gnomAD exomes 0.16185; gnomAD 0.20072 and 0.20438.

Submission:

GeneDx
Classification: Benign. Last evaluated: 2018-06-18. Review status: criteria provided, single submitter. Criteria: GeneDx Variant Classification (06012015). Collection method: clinical testing. Allele origin: germline. Affected: yes.
Comment: This variant is considered likely benign or benign based on one or more of the following criteria: it is a conservative change, it occurs at a poorly conserved position in the protein, it is predicted to be benign by multiple in silico algorithms, and/or has population frequency not consistent with disease.

NM_022114.4(PRDM16):c.3697-146_3697-139del

Gene: PRDM16 (PR/SET domain 16; plus strand). Cytogenetic location: 1p36.32.
Variant type: Deletion.
Coding change: c.3697-146_3697-139del on transcript NM_022114.4 (MANE Select); 146 bases into the intron before coding-DNA position 3697 through 139 bases into the intron before coding-DNA position 3697, 8 bases deleted (TGGGATGG; older notation c.3697-146_3697-139delTGGGATGG).
Molecular consequence: intron variant.
Genome position (GRCh38, 1-based): chr1:3,433,531-3,433,538, TGGGATGG deleted. VCF-style (leftmost placement, unchanged base first): chr1-3433530-CTGGGATGG-C. GRCh37 (hg19) VCF-style: chr1-3350094-CTGGGATGG-C.
Other names: c.3697-203_3697-196del (NM_199454.3).
Identifiers: ClinVar variation 674730 (VCV000674730.1), dbSNP rs879837688, ClinGen allele CA16992805.